The following is an entry in ClinVar:

NM_001267550.2(TTN):c.8509A>T (p.Ser2837Cys)

Gene: TTN (titin; minus strand). Cytogenetic location: 2q31.2.
Variant type: single nucleotide variant.
Coding change: c.8509A>T on transcript NM_001267550.2 (MANE Select); coding-DNA position 8509, A replaced by T.
Protein change: p.Ser2837Cys; replaces serine 2837 with cysteine.
Molecular consequence: missense variant.
Genome position (GRCh38, 1-based): chr2:178,770,192, T>A on the plus strand (A>T on the coding strand, the complement: TTN is on the minus strand). VCF-style: chr2-178770192-T-A. GRCh37 (hg19) VCF-style: chr2-179634919-T-A.
Other names: c.8509A>T, p.Ser2837Cys (NM_133378.4, NM_001256850.1, NM_133379.5); c.8371A>T, p.Ser2791Cys (NM_003319.4, NM_133432.3, NM_133437.4); short protein forms S2837C, S2791C.
Identifiers: ClinVar variation 192069 (VCV000192069.6), dbSNP rs202024134, ClinGen allele CA238233.

ClinVar aggregate classification (germline): Uncertain significance. Review status: criteria provided, multiple submitters, no conflicts (2 of 4 stars). 3 submissions from 3 submitters: Uncertain significance (3). Last evaluated 2024-03-21.

Conditions:
Cardiovascular phenotype. Identifiers: MedGen CN230736.

Allele frequency attached by ClinVar (database versions not stated): gnomAD 0.00002; ExAC 0.00010.
gnomAD v4.1: 33 of 1,614,044 alleles (0.002%); highest among the groups gnomAD compares: Non-Finnish European, 0.0019%; no homozygotes.

Submissions (3):

Revvity Omics, Revvity
Classification: Uncertain significance. Last evaluated: 2024-03-21. Review status: criteria provided, single submitter. Criteria: ACMG Guidelines, 2015. Collection method: clinical testing. Allele origin: germline.

Ambry Genetics
Classification: Uncertain significance for Cardiovascular phenotype. Last evaluated: 2018-08-28. Review status: criteria provided, single submitter. Criteria: Ambry Variant Classification Scheme 2023. Collection method: clinical testing. Allele origin: germline.
Comment: The p.S2791C variant (also known as c.8371A>T), located in coding exon 34 of the TTN gene, results from an A to T substitution at nucleotide position 8371. The serine at codon 2791 is replaced by cysteine, an amino acid with dissimilar properties. This variant has been reported (as isoform NM_133378.4:c.8509A>T p.S2837C) in a population cohort study of QT interval associations and as a secondary cardiac variant in an exome cohort; however, clinical details were limited (Ng D et al. Circ Cardiovasc Genet, 2013 Aug;6:337-46; Kapoor A et al. Sci Rep, 2016 06;6:28356). This amino acid position is highly conserved in available vertebrate species. In addition, this alteration is predicted to be probably damaging by PolyPhen in silico analysis. Since supporting evidence is limited at this time, the clinical significance of this alteration remains unclear.

Biesecker Lab/Clinical Genomics Section, National Institutes of Health
Classification: Uncertain significance. Last evaluated: 2013-06-24. Review status: criteria provided, single submitter. Criteria: Ng et al. (Circ Cardiovasc Genet. 2013). Collection method: research. Allele origin: unknown. Observed: 1 variant allele. Study: ClinSeq.
Comment: The study set was not selected for affection status in relation to any cancer. Pathogenicity categories were based on literature curation. See Pubmed ID:23861362 for details.

Medical sequencing

Literature cited by the submitters: PubMed 23861362 (cited by Ambry Genetics); PubMed 27321809 (cited by Ambry Genetics).